The following is an entry in ClinVar:

ClinVar aggregate classification (germline): Benign/Likely benign. Review status: criteria provided, multiple submitters, no conflicts (2 of 4 stars). 3 submissions from 3 submitters: Benign (1); Likely benign (2). Last evaluated 2025-06-06.

Conditions:
Tuberous sclerosis 2 (TSC2). Identifiers: Orphanet 805, MedGen C1860707, MONDO:0013199, OMIM 613254.
Hereditary cancer-predisposing syndrome. Also called: Tumor predisposition; Hereditary neoplastic syndrome; Neoplastic Syndromes, Hereditary; Hereditary Cancer Syndrome. Identifiers: Orphanet 140162, MedGen C0027672, MeSH D009386, MONDO:0015356.

Allele frequency attached by ClinVar (database versions not stated): gnomAD exomes below 0.00001; TOPMed 0.00001; gnomAD 0.00002 and 0.00003.
gnomAD v4.1: 6 of 1,612,510 alleles (0.00037%); highest among the groups gnomAD compares: African/African-American, 0.0053%; no homozygotes.

Submissions (3):

Myriad Genetics, Inc.
Classification: Benign for Tuberous sclerosis 2. Last evaluated: 2025-06-06. Review status: criteria provided, single submitter. Criteria: Myriad Autosomal Dominant, Autosomal Recessive and X-Linked Classification Criteria (2023). Collection method: clinical testing. Allele origin: unknown.
Comment: This variant is considered benign. This variant is a silent/synonymous amino acid change and it is not expected to impact splicing.

Labcorp Genetics (formerly Invitae), Labcorp
Classification: Likely benign for Tuberous sclerosis 2. Last evaluated: 2024-09-18. Review status: criteria provided, single submitter. Criteria: Invitae Variant Classification Sherloc (09022015). Collection method: clinical testing. Allele origin: germline.

Ambry Genetics
Classification: Likely benign for Hereditary cancer-predisposing syndrome. Last evaluated: 2020-11-23. Review status: criteria provided, single submitter. Criteria: Ambry Variant Classification Scheme 2023. Collection method: clinical testing. Allele origin: germline.

NM_000548.5(TSC2):c.5079C>T (p.Gly1693=)

Gene: TSC2 (TSC complex subunit 2; plus strand). Cytogenetic location: 16p13.3.
Variant type: single nucleotide variant.
Coding change: c.5079C>T on transcript NM_000548.5 (MANE Select); coding-DNA position 5079, C replaced by T.
Protein change: p.Gly1693=; no amino-acid change (glycine 1693 retained).
Molecular consequence: synonymous variant.
Genome position (GRCh38, 1-based): chr16:2,088,058, C>T. VCF-style: chr16-2088058-C-T. GRCh37 (hg19) VCF-style: chr16-2138059-C-T.
Other names: c.4878C>T, p.Gly1626= (NM_001077183.3); c.5010C>T, p.Gly1670= (NM_001114382.3); c.4770C>T, p.Gly1590= (NM_001318827.2); c.4734C>T, p.Gly1578= (NM_001318829.2); c.4347C>T, p.Gly1449= (NM_001318831.2); c.4911C>T, p.Gly1637= (NM_001318832.2); c.4881C>T, p.Gly1627= (NM_001363528.2); c.4947C>T, p.Gly1649= (NM_001370404.1); and 1 more.
Identifiers: ClinVar variation 706905 (VCV000706905.14), dbSNP rs1173469448, ClinGen allele CA493043631.
Genomic context (GRCh38, chr16:2,088,058, plus strand): 5'-AGTGTGGCGCCAAGAGCCCTGGGCCTGGCGTGACCACCAAGTCTCCCCAGACATGGAGGG[C>T]CTTGTGGACACCAGCGTGGCCAAGATCGTGTCTGACCGCAACCTGCCCTTCGTGGCCCGC-3'
Protein context (NP_000539.2, residues 1683-1703): VSLQCRKDME[Gly1693=]LVDTSVAKIV